The following is an entry in ClinVar:

ClinVar aggregate classification (germline): Uncertain significance. Review status: criteria provided, multiple submitters, no conflicts (2 of 4 stars). 3 submissions from 3 submitters: Uncertain significance (3). Last evaluated 2024-10-26.

Allele frequency attached by ClinVar (database versions not stated): gnomAD 0.00002; TOPMed 0.00003.
gnomAD v4.1: 115 of 1,613,830 alleles (0.0071%); highest among the groups gnomAD compares: Non-Finnish European, 0.0096%; no homozygotes.

Submissions (3):

Labcorp Genetics (formerly Invitae), Labcorp
Classification: Uncertain significance. Last evaluated: 2024-10-26. Review status: criteria provided, single submitter. Criteria: Invitae Variant Classification Sherloc (09022015). Collection method: clinical testing. Allele origin: germline.
Comment: This sequence change replaces phenylalanine, which is neutral and non-polar, with cysteine, which is neutral and slightly polar, at codon 89 of the KIF23 protein (p.Phe89Cys). This variant is present in population databases (rs775747735, gnomAD 0.003%). This variant has not been reported in the literature in individuals affected with KIF23-related conditions. Invitae Evidence Modeling of protein sequence and biophysical properties (such as structural, functional, and spatial information, amino acid conservation, physicochemical variation, residue mobility, and thermodynamic stability) indicates that this missense variant is expected to disrupt KIF23 protein function with a positive predictive value of 80%. In summary, the available evidence is currently insufficient to determine the role of this variant in disease. Therefore, it has been classified as a Variant of Uncertain Significance.

Revvity Omics, Revvity
Classification: Uncertain significance. Last evaluated: 2024-02-26. Review status: criteria provided, single submitter. Criteria: ACMG Guidelines, 2015. Collection method: clinical testing. Allele origin: germline.

Ambry Genetics
Classification: Uncertain significance. Last evaluated: 2023-09-26. Review status: criteria provided, single submitter. Criteria: Ambry Variant Classification Scheme 2023. Collection method: clinical testing. Allele origin: germline.

NM_001367805.3(KIF23):c.266T>G (p.Phe89Cys)

Gene: KIF23 (kinesin family member 23; plus strand). Cytogenetic location: 15q23.
Variant type: single nucleotide variant.
Coding change: c.266T>G on transcript NM_001367805.3 (MANE Select); coding-DNA position 266, T replaced by G.
Protein change: p.Phe89Cys; replaces phenylalanine 89 with cysteine.
Molecular consequence: missense variant. On other transcripts: non-coding transcript variant (2).
Genome position (GRCh38, 1-based): chr15:69,421,702, T>G. VCF-style: chr15-69421702-T-G. GRCh37 (hg19) VCF-style: chr15-69714041-T-G.
Other names: c.73T>G, p.Leu25Val (NM_001281301.2); c.266T>G, p.Phe89Cys (NM_001367804.2, NM_004856.7, NM_138555.4); short protein forms F89C, L25V.
Identifiers: ClinVar variation 3114680 (VCV003114680.4), dbSNP rs775747735, ClinGen allele CA272516037.
Genomic context (GRCh38, chr15:69,421,702, plus strand): 5'-CACAGACTCAGTATTCATTTAAACAAGTATTTGGCACTCACACCACCCAGAAGGAACTCT[T>G]TGATGTTGTGGCTAATCCCTTGGTCAATGACCTCATTCATGGCAAAAATGGTATGATATG-3'
Protein context (NP_001354734.1, residues 79-99): FGTHTTQKEL[Phe89Cys]DVVANPLVND